The following is an entry in ClinVar:

NM_003482.4(KMT2D):c.12394C>T (p.His4132Tyr)

Gene: KMT2D (lysine methyltransferase 2D; minus strand). Cytogenetic location: 12q13.12.
Variant type: single nucleotide variant.
Coding change: c.12394C>T on transcript NM_003482.4 (MANE Select); coding-DNA position 12394, C replaced by T.
Protein change: p.His4132Tyr; replaces histidine 4132 with tyrosine.
Molecular consequence: missense variant.
Genome position (GRCh38, 1-based): chr12:49,032,311, G>A on the plus strand (C>T on the coding strand, the complement: KMT2D is on the minus strand). VCF-style: chr12-49032311-G-A. GRCh37 (hg19) VCF-style: chr12-49426094-G-A.
Other names: short protein forms H4132Y.
Identifiers: ClinVar variation 4801196 (VCV004801196.1).
Genomic context (GRCh38, chr12:49,032,311, plus strand): 5'-GGTTCTGGGTCATGGACCCAGGCTGATCCCCTAAGGAAACAGAGGGCTGAGCCAGCAGGT[G>A]GGGCACAGATGAGGCCTCAGAAGATGATCCACTGCCTAGCTGCCCATGGCTTCCTCCACC-3'
Protein context (NP_003473.3, residues 4122-4142): GSSSEASSVP[His4132Tyr]LLAQPSVSLG

ClinVar aggregate classification (germline): Uncertain significance (1 of 4 stars; one submission).

Conditions:
Kabuki syndrome. Also called: NIIKAWA-KUROKI SYNDROME; Kabuki make-up syndrome. Identifiers: Orphanet 2322, MedGen C0796004, MONDO:0016512.

Submission:

Labcorp Genetics (formerly Invitae), Labcorp
Classification: Uncertain significance for Kabuki syndrome. Last evaluated: 2025-05-19. Review status: criteria provided, single submitter. Criteria: Invitae Variant Classification Sherloc (09022015). Collection method: clinical testing. Allele origin: germline.
Comment: This sequence change replaces histidine, which is basic and polar, with tyrosine, which is neutral and polar, at codon 4132 of the KMT2D protein (p.His4132Tyr). This variant is not present in population databases (gnomAD no frequency). This variant has not been reported in the literature in individuals affected with KMT2D-related conditions. Invitae Evidence Modeling of protein sequence and biophysical properties (such as structural, functional, and spatial information, amino acid conservation, physicochemical variation, residue mobility, and thermodynamic stability) indicates that this missense variant is not expected to disrupt KMT2D protein function with a negative predictive value of 95%. In summary, the available evidence is currently insufficient to determine the role of this variant in disease. Therefore, it has been classified as a Variant of Uncertain Significance.